The following is an entry in ClinVar:

NM_018671.5(UNC45A):c.2233T>C (p.Cys745Arg)

Gene: UNC45A (unc-45 myosin chaperone A; plus strand). Cytogenetic location: 15q26.1.
Variant type: single nucleotide variant.
Coding change: c.2233T>C on transcript NM_018671.5 (MANE Select); coding-DNA position 2233, T replaced by C.
Protein change: p.Cys745Arg; replaces cysteine 745 with arginine.
Molecular consequence: missense variant.
Genome position (GRCh38, 1-based): chr15:90,950,545, T>C. VCF-style: chr15-90950545-T-C. GRCh37 (hg19) VCF-style: chr15-91493775-T-C.
Other names: c.2188T>C, p.Cys730Arg (NM_001039675.2, NM_001323621.2); c.2233T>C, p.Cys745Arg (NM_001323619.1); c.1798T>C, p.Cys600Arg (NM_001323620.2); short protein forms C745R, C600R, C730R.
Identifiers: ClinVar variation 1432828 (VCV001432828.8), dbSNP rs2151375249, ClinGen allele CA393860929.

ClinVar aggregate classification (germline): Uncertain significance (1 of 4 stars; one submission).

gnomAD v4.1: 8 of 1,614,170 alleles (0.0005%); highest among the groups gnomAD compares: Non-Finnish European, 0.00068%; no homozygotes.

Submission:

Labcorp Genetics (formerly Invitae), Labcorp
Classification: Uncertain significance. Last evaluated: 2024-02-23. Review status: criteria provided, single submitter. Criteria: Invitae Variant Classification Sherloc (09022015). Collection method: clinical testing. Allele origin: germline.
Comment: This sequence change replaces cysteine, which is neutral and slightly polar, with arginine, which is basic and polar, at codon 745 of the UNC45A protein (p.Cys745Arg). This variant is not present in population databases (gnomAD no frequency). This variant has not been reported in the literature in individuals affected with UNC45A-related conditions. ClinVar contains an entry for this variant (Variation ID: 1432828). Algorithms developed to predict the effect of missense changes on protein structure and function output the following: SIFT: "Not Available"; PolyPhen-2: "Benign"; Align-GVGD: "Not Available". The arginine amino acid residue is found in multiple mammalian species, which suggests that this missense change does not adversely affect protein function. In summary, the available evidence is currently insufficient to determine the role of this variant in disease. Therefore, it has been classified as a Variant of Uncertain Significance.